The following is an entry in ClinVar:

ClinVar aggregate classification (germline): Benign. Review status: criteria provided, single submitter (1 of 4 stars). 2 submissions from 2 submitters: Benign (1). 1 of the submissions does not count toward it. Last evaluated 2021-03-10.

Conditions:
GIGYF2-related disorder. Also called: GIGYF2-related condition.

Submissions (2):

GeneDx
Classification: Benign. Last evaluated: 2021-03-10. Review status: criteria provided, single submitter. Criteria: GeneDx Variant Classification Process June 2021. Collection method: clinical testing. Allele origin: germline. Affected: yes.

PreventionGenetics, part of Exact Sciences
Classification: Benign for GIGYF2-related condition. Last evaluated: 2019-05-01. Review status: no assertion criteria provided. Collection method: clinical testing. Allele origin: germline. Not counted in ClinVar's aggregate classification.
Comment: This variant is classified as benign based on ACMG/AMP sequence variant interpretation guidelines (Richards et al. 2015 PMID: 25741868, with internal and published modifications).

NM_001103146.3(GIGYF2):c.3045GCA[8] (p.Gln1022dup)

Gene: GIGYF2 (GRB10 interacting GYF protein 2; plus strand). Cytogenetic location: 2q37.1.
Variant type: Microsatellite.
Coding change: c.3045GCA[8] on transcript NM_001103146.3 (MANE Select); eight copies in a row of the 3-base unit GCA starting at c.3045; the reference has seven copies in a row; one copy, 3 bases duplicated.
Protein change: p.Gln1022dup; duplicates glutamine 1022.
Molecular consequence: inframe insertion. On other transcripts: non-coding transcript variant (1).
Genome position (GRCh38, 1-based): chr2:232,844,219-232,844,221, GCA duplicated; duplicating any 3 consecutive bases within chr2:232,844,200-232,844,221 gives the same sequence; the position shown is the placement nearest the transcript's 3' end. VCF-style (leftmost placement, unchanged base first): chr2-232844199-A-AAGC. GRCh37 (hg19) VCF-style: chr2-233708909-A-AAGC.
Other names: c.3108GCA[8], p.Gln1043dup (NM_001103147.2); c.3027GCA[8], p.Gln1016dup (NM_001103148.2); c.3045GCA[8], p.Gln1022dup (NM_015575.4); c.3063_3065dupGCA (NM_001103146.1).
Identifiers: ClinVar variation 1294567 (VCV001294567.4), dbSNP rs751210729, ClinGen allele CA2170754.